The following is an entry in ClinVar:

ClinVar aggregate classification (germline): Likely pathogenic (1 of 4 stars; one submission).

Conditions:
Alzheimer disease. Also called: Presenile and senile dementia; Alzheimer's disease. Identifiers: Orphanet 1020, MedGen C0002395, MeSH D000544, MONDO:0004975, HP:0002511.

Submission:

Clinical Genetics Laboratory, Skane University Hospital Lund
Classification: Likely pathogenic for Alzheimer disease. Last evaluated: 2026-01-09. Review status: criteria provided, single submitter. Criteria: ACMG Guidelines, 2015. Collection method: clinical testing. Allele origin: germline. Affected: yes.
Comment: ACMG criteria applied: PS4_supporting, PM2, PM5, PP3

NM_000021.4(PSEN1):c.314T>C (p.Phe105Ser)

Gene: PSEN1 (presenilin 1; plus strand). Cytogenetic location: 14q24.2.
Variant type: single nucleotide variant.
Coding change: c.314T>C on transcript NM_000021.4 (MANE Select); coding-DNA position 314, T replaced by C.
Protein change: p.Phe105Ser; replaces phenylalanine 105 with serine.
Molecular consequence: missense variant.
Genome position (GRCh38, 1-based): chr14:73,171,023, T>C. VCF-style: chr14-73171023-T-C. GRCh37 (hg19) VCF-style: chr14-73637731-T-C.
Other names: c.302T>C, p.Phe101Ser (NM_007318.3); short protein forms F101S, F105S.
Identifiers: ClinVar variation 4682122 (VCV004682122.1).